The following is an entry in ClinVar:

NM_001040142.2(SCN2A):c.1785T>C (p.Asp595=)

Gene: SCN2A (sodium voltage-gated channel alpha subunit 2; plus strand). Cytogenetic location: 2q24.3.
Variant type: single nucleotide variant.
Coding change: c.1785T>C on transcript NM_001040142.2 (MANE Select); coding-DNA position 1785, T replaced by C.
Protein change: p.Asp595=; no amino-acid change (aspartic acid 595 retained).
Molecular consequence: synonymous variant.
Genome position (GRCh38, 1-based): chr2:165,323,269, T>C. VCF-style: chr2-165323269-T-C. GRCh37 (hg19) VCF-style: chr2-166179779-T-C.
Other names: p.D595D:GAT>GAC; p.Asp595=; c.1785T>C, p.Asp595= (NM_001040143.2, NM_001371246.1, NM_001371247.1 and 1 more transcripts).
Identifiers: ClinVar variation 130217 (VCV000130217.60), dbSNP rs141815642, ClinGen allele CA289016.
Genomic context (GRCh38, chr2:165,323,269, plus strand): 5'-GAGCCTTTTCAGCTTCAGAGGTCGAGCAAAGGACATTGGCTCTGAGAATGACTTTGCTGA[T>C]GATGAGCACAGCACCTTTGAGGACAATGACAGCCGAAGAGACTCTCTGTTCGTGCCGCAC-3'
Protein context (NP_001035232.1, residues 585-605): KDIGSENDFA[Asp595=]DEHSTFEDND

ClinVar aggregate classification (germline): Benign. Review status: criteria provided, multiple submitters, no conflicts (2 of 4 stars). 11 submissions from 11 submitters: Benign (9). 2 of the submissions do not count toward it. Last evaluated 2026-02-03.

Conditions:
Inborn genetic diseases. Identifiers: MedGen C0950123, MeSH D030342.
Seizures, benign familial infantile, 3 (BFIS3). Also called: Familial neonatal seizures; CONVULSIONS, BENIGN FAMILIAL INFANTILE, 3. Identifiers: Orphanet 140927, Orphanet 306, MedGen C1843140, MONDO:0011904, OMIM 607745.
Developmental and epileptic encephalopathy, 11 (DEE11). Also called: Early infantile epileptic encephalopathy 11. Identifiers: Orphanet 1934, MedGen C3150987, MONDO:0013388, OMIM 613721.

Allele frequency attached by ClinVar (database versions not stated): 1000 Genomes Project 0.00519; 1000 Genomes Project 30x 0.00625; ESP Exome Variant Server 0.00938; gnomAD 0.00973 and 0.01027; TOPMed 0.01063.
gnomAD v4.1: 20,568 of 1,614,178 alleles (1.3%); highest among the groups gnomAD compares: Non-Finnish European, 1.5%; 153 homozygotes.

Submissions (11):

Labcorp Genetics (formerly Invitae), Labcorp
Classification: Benign for Seizures, benign familial infantile, 3; Developmental and epileptic encephalopathy, 11. Last evaluated: 2026-02-03. Review status: criteria provided, single submitter. Criteria: Invitae Variant Classification Sherloc (09022015). Collection method: clinical testing. Allele origin: germline.

CeGaT Center for Human Genetics Tuebingen
Classification: Benign. Last evaluated: 2024-07-01. Review status: criteria provided, single submitter. Criteria: CeGaT Center For Human Genetics Tuebingen Variant Classification Criteria Version 2. Collection method: clinical testing. Allele origin: germline. Affected: yes. Observed: 56 variant alleles.
Comment: SCN2A: BP4, BP7, BS1, BS2

Mayo Clinic Laboratories, Mayo Clinic
Classification: Benign. Last evaluated: 2023-05-11. Review status: criteria provided, single submitter. Criteria: ACMG Guidelines, 2015. Collection method: clinical testing. Allele origin: germline. Observed: 39 variant alleles.
Comment: BS1, BS2, BP4, BP7

Illumina Laboratory Services, Illumina
Classification: Benign for Seizures, benign familial infantile, 3. Last evaluated: 2018-01-13. Review status: criteria provided, single submitter. Criteria: ICSL Variant Classification Criteria 13 December 2019. Collection method: clinical testing. Allele origin: germline.
Comment: This variant was observed in the ICSL laboratory as part of a predisposition screen in an ostensibly healthy population. It had not been previously curated by ICSL or reported in the Human Gene Mutation Database (HGMD: prior to June 1st, 2018), and was therefore a candidate for classification through an automated scoring system. Utilizing variant allele frequency, disease prevalence and penetrance estimates, and inheritance mode, an automated score was calculated to assess if this variant is too frequent to cause the disease. Based on the score and internal cut-off values, a variant classified as benign is not then subjected to further curation. The score for this variant resulted in a classification of benign for this disease.

Ambry Genetics
Classification: Benign for Inborn genetic diseases. Last evaluated: 2017-09-21. Review status: criteria provided, single submitter. Criteria: Ambry Variant Classification Scheme 2023. Collection method: clinical testing. Allele origin: germline.

Genetic Services Laboratory, University of Chicago
Classification: Benign for AllHighlyPenetrant. Last evaluated: 2013-03-28. Review status: criteria provided, single submitter. Criteria: ACMG Guidelines, 2007. Collection method: clinical testing. Allele origin: germline. Inheritance: Autosomal dominant inheritance.

GeneDx
Classification: Benign. Last evaluated: 2012-04-09. Review status: criteria provided, single submitter. Criteria: GeneDx Variant Classification (06012015). Collection method: clinical testing. Allele origin: germline. Affected: yes.
Comment: This variant is considered likely benign or benign based on one or more of the following criteria: it is a conservative change, it occurs at a poorly conserved position in the protein, it is predicted to be benign by multiple in silico algorithms, and/or has population frequency not consistent with disease.

Breakthrough Genomics
Classification: Benign. Review status: criteria provided, single submitter. Criteria: ACMG Guidelines, 2015. Collection method: not provided. Allele origin: germline. Inheritance: Autosomal dominant inheritance. Affected: yes.

PreventionGenetics, part of Exact Sciences
Classification: Benign. Review status: criteria provided, single submitter. Criteria: ACMG Guidelines, 2015. Collection method: clinical testing. Allele origin: germline.

Diagnostic Laboratory, Department of Genetics, University Medical Center Groningen
Classification: Likely benign. Review status: no assertion criteria provided. Collection method: clinical testing. Allele origin: germline. Affected: yes. Study: VKGL Data-share Consensus. Not counted in ClinVar's aggregate classification.

Genome Diagnostics Laboratory, University Medical Center Utrecht
Classification: Benign. Review status: no assertion criteria provided. Collection method: clinical testing. Allele origin: germline. Affected: yes. Study: VKGL Data-share Consensus. Not counted in ClinVar's aggregate classification.